The following is an entry in ClinVar:

ClinVar aggregate classification (germline): Uncertain significance. Review status: criteria provided, multiple submitters, no conflicts (2 of 4 stars). 2 submissions from 2 submitters: Uncertain significance (2). Last evaluated 2024-04-05.

Conditions:
Sotos syndrome (SOTOS). Also called: Distinctive facial appearance, overgrowth in childhood, and learning disabilities or delayed development; SOTOS SYNDROME 1; CHROMOSOME 5q35 DELETION SYNDROME; CEREBRAL GIGANTISM; Sotos' syndrome. Identifiers: Orphanet 821, MedGen C0175695, MONDO:0019349, OMIM 117550.

gnomAD v4.1: 2 of 1,614,056 alleles (0.00012%); highest among the groups gnomAD compares: African/African-American, 0.0027%; no homozygotes.

Submissions (2):

Labcorp Genetics (formerly Invitae), Labcorp
Classification: Uncertain significance. Last evaluated: 2024-04-05. Review status: criteria provided, single submitter. Criteria: Invitae Variant Classification Sherloc (09022015). Collection method: clinical testing. Allele origin: germline.
Comment: This sequence change replaces glutamic acid, which is acidic and polar, with lysine, which is basic and polar, at codon 808 of the NSD1 protein (p.Glu808Lys). This variant is not present in population databases (gnomAD no frequency). This variant has not been reported in the literature in individuals affected with NSD1-related conditions. Advanced modeling of protein sequence and biophysical properties (such as structural, functional, and spatial information, amino acid conservation, physicochemical variation, residue mobility, and thermodynamic stability) has been performed at Invitae for this missense variant, however the output from this modeling did not meet the statistical confidence thresholds required to predict the impact of this variant on NSD1 protein function. In summary, the available evidence is currently insufficient to determine the role of this variant in disease. Therefore, it has been classified as a Variant of Uncertain Significance.

Fulgent Genetics
Classification: Uncertain significance for Sotos syndrome. Last evaluated: 2024-03-06. Review status: criteria provided, single submitter. Criteria: ACMG Guidelines, 2015. Collection method: clinical testing. Allele origin: germline.

NM_022455.5(NSD1):c.2422G>A (p.Glu808Lys)

Gene: NSD1 (nuclear receptor binding SET domain protein 1; plus strand). Cytogenetic location: 5q35.3.
Variant type: single nucleotide variant.
Coding change: c.2422G>A on transcript NM_022455.5 (MANE Select); coding-DNA position 2422, G replaced by A.
Protein change: p.Glu808Lys; replaces glutamic acid 808 with lysine.
Molecular consequence: missense variant.
Genome position (GRCh38, 1-based): chr5:177,210,821, G>A. VCF-style: chr5-177210821-G-A. GRCh37 (hg19) VCF-style: chr5-176637822-G-A.
Other names: c.1549G>A, p.Glu517Lys (NM_001365684.2, NM_001409306.1, NM_001409307.1 and 3 more transcripts); c.2422G>A, p.Glu808Lys (NM_001409301.1, NM_001409302.1, NM_001409303.1); c.2002G>A, p.Glu668Lys (NM_001409304.1); c.1669G>A, p.Glu557Lys (NM_001409305.1); short protein forms E808K, E517K, E557K, E668K.
Identifiers: ClinVar variation 3592005 (VCV003592005.3).
Genomic context (GRCh38, chr5:177,210,821, plus strand): 5'-CGAAGTATAAAGTGCAAACACAAAGAAAATCCAGTTATGGCAGAACCCCCAGTTATAAAT[G>A]AGGAGTGCAGTTTGAAATGCTGCTCTTCTGATACCAAAGGCTCTCCTTTGGCCAGCATTT-3'
Protein context (NP_071900.2, residues 798-818): PVMAEPPVIN[Glu808Lys]ECSLKCCSSD